The following is an entry in ClinVar:

ClinVar aggregate classification (germline): Uncertain significance (1 of 4 stars; one submission).

Conditions:
Kabuki syndrome 2 (KABUK2). Also called: KDM6A-Related Kabuki Syndrome. Identifiers: Orphanet 2322, MedGen C3275495, MONDO:0010465, OMIM 300867.

Submission:

Labcorp Genetics (formerly Invitae), Labcorp
Classification: Uncertain significance for Kabuki syndrome 2. Last evaluated: 2022-11-24. Review status: criteria provided, single submitter. Criteria: Invitae Variant Classification Sherloc (09022015). Collection method: clinical testing. Allele origin: germline.
Comment: In summary, the available evidence is currently insufficient to determine the role of this variant in disease. Therefore, it has been classified as a Variant of Uncertain Significance. Experimental studies and prediction algorithms are not available or were not evaluated, and the functional significance of this variant is currently unknown. This variant has not been reported in the literature in individuals affected with KDM6A-related conditions. This variant is present in population databases (no rsID available, gnomAD 0.01%). This variant, c.39_41dup, results in the insertion of 1 amino acid(s) of the KDM6A protein (p.Ala17dup), but otherwise preserves the integrity of the reading frame.

NM_001291415.2(KDM6A):c.39_41dup (p.Ala17_Phe18insAla)

Gene: KDM6A (lysine demethylase 6A; plus strand). Cytogenetic location: Xp11.3.
Variant type: Duplication.
Coding change: c.39_41dup on transcript NM_001291415.2 (MANE Select); coding-DNA positions 39 to 41, 3 bases duplicated (TGC; older notation c.39_41dupTGC).
Protein change: p.Ala17_Phe18insAla.
Molecular consequence: inframe insertion. On other transcripts: 5 prime UTR variant (1), non-coding transcript variant (1).
Genome position (GRCh38, 1-based): chrX:44,873,590-44,873,592, TGC duplicated; duplicating any 3 consecutive bases within chrX:44,873,588-44,873,592 gives the same sequence; the c. name uses the placement nearest the transcript's 3' end. VCF-style (leftmost placement, unchanged base first): chrX-44873587-C-CGCT. GRCh37 (hg19) VCF-style: chrX-44732833-C-CGCT.
Other names: c.39_41dup, p.Ala17_Phe18insAla (NM_001291416.2, NM_001291417.2, NM_001291418.2 and 9 more transcripts); c.-594_-592dup (NM_001291421.2).
Identifiers: ClinVar variation 2956860 (VCV002956860.3), dbSNP rs1354071758, ClinGen allele CA641679658.